The following is an entry in ClinVar:

ClinVar aggregate classification (germline): Uncertain significance (1 of 4 stars; one submission).

Submission:

Ambry Genetics
Classification: Uncertain significance. Last evaluated: 2026-02-23. Review status: criteria provided, single submitter. Criteria: Ambry Variant Classification Scheme 2023. Collection method: clinical testing. Allele origin: germline.
Comment: The p.V170F variant (also known as c.508G>T), located in coding exon 5 of the RECQL gene, results from a G to T substitution at nucleotide position 508. The valine at codon 170 is replaced by phenylalanine, an amino acid with highly similar properties. This amino acid position is conserved. In addition, this alteration is predicted to be tolerated by in silico analysis. Based on the available evidence, the clinical significance of this variant remains unclear.

NM_002907.4(RECQL):c.508G>T (p.Val170Phe)

Gene: RECQL (RecQ like helicase; minus strand). Cytogenetic location: 12p12.1.
Variant type: single nucleotide variant.
Coding change: c.508G>T on transcript NM_002907.4 (MANE Select); coding-DNA position 508, G replaced by T.
Protein change: p.Val170Phe; replaces valine 170 with phenylalanine.
Molecular consequence: missense variant.
Genome position (GRCh38, 1-based): chr12:21,483,568, C>A on the plus strand (G>T on the coding strand, the complement: RECQL is on the minus strand). VCF-style: chr12-21483568-C-A. GRCh37 (hg19) VCF-style: chr12-21636502-C-A.
Other names: c.508G>T, p.Val170Phe (NM_032941.3); short protein forms V170F.
Identifiers: ClinVar variation 4826737 (VCV004826737.1).
Genomic context (GRCh38, chr12:21,483,568, plus strand): 5'-TCACATAAATCAGCTTTAACTCGGAGTTTTTATTTACCATTTCAGCATGAACCCATTTAA[C>A]ATGCTCCTATTAAAAGAAAAAAATAGACACAATGATAGTAAAACTAAGCTAGCAGACTGA-3'
Protein context (NP_002898.2, residues 160-180): MLNASSSKEH[Val170Phe]KWVHAEMVNK